The following is an entry in ClinVar:

NM_194454.3(KRIT1):c.264A>G (p.Gly88=)

Gene: KRIT1 (KRIT1 ankyrin repeat containing; minus strand). Cytogenetic location: 7q21.2.
Variant type: single nucleotide variant.
Coding change: c.264A>G on transcript NM_194454.3 (MANE Select); coding-DNA position 264, A replaced by G.
Protein change: p.Gly88=; no amino-acid change (glycine 88 retained).
Molecular consequence: synonymous variant. On other transcripts: 5 prime UTR variant (1).
Genome position (GRCh38, 1-based): chr7:92,237,758, T>C on the plus strand (A>G on the coding strand, the complement: KRIT1 is on the minus strand). VCF-style: chr7-92237758-T-C. GRCh37 (hg19) VCF-style: chr7-91867072-T-C.
Other names: c.264A>G, p.Gly88= (NM_001013406.2, NM_001350669.1, NM_001350670.1 and 29 more transcripts); c.-320A>G (NM_001350671.1).
Identifiers: ClinVar variation 590739 (VCV000590739.15), dbSNP rs201877439, ClinGen allele CA4339424.

ClinVar aggregate classification (germline): Conflicting classifications of pathogenicity. Review status: criteria provided, conflicting classifications (1 of 4 stars). 5 submissions from 5 submitters: Uncertain significance (1); Likely benign (4). Last evaluated 2026-01-12.

Conditions:
Inborn genetic diseases. Identifiers: MedGen C0950123, MeSH D030342.
Cerebral cavernous malformation (CCM). Also called: Cavernous Hemangioma of Brain; Cerebral cavernous malformations; CAVERNOUS ANGIOMA, FAMILIAL; CAVERNOUS ANGIOMATOUS MALFORMATIONS; CEREBRAL CAPILLARY MALFORMATIONS; Cerebral cavernous hemangioma (type). Identifiers: Orphanet 221061, MedGen C2919945, MONDO:0000820, OMIM 116860, HP:0033522.

Allele frequency attached by ClinVar (database versions not stated): gnomAD 0.00006 and 0.00007; TOPMed 0.00009; gnomAD exomes 0.00011 and 0.00012; ExAC 0.00012; 1000 Genomes Project 0.00020; 1000 Genomes Project 30x 0.00031.
gnomAD v4.1: 162 of 1,552,298 alleles (0.01%); highest among the groups gnomAD compares: Non-Finnish European, 0.013%; 1 homozygote.

Submissions (5):

Labcorp Genetics (formerly Invitae), Labcorp
Classification: Likely benign for Cerebral cavernous malformation. Last evaluated: 2026-01-12. Review status: criteria provided, single submitter. Criteria: Invitae Variant Classification Sherloc (09022015). Collection method: clinical testing. Allele origin: germline.

Women's Health and Genetics/Laboratory Corporation of America, LabCorp
Classification: Uncertain significance. Last evaluated: 2025-01-07. Review status: criteria provided, single submitter. Criteria: LabCorp Variant Classification Summary - May 2015. Collection method: clinical testing. Allele origin: germline.
Comment: Variant summary: KRIT1 c.264A>G (p.Gly88Gly) alters a non-conserved nucleotide located close to a canonical splice site and therefore could affect mRNA splicing, leading to a significantly altered protein sequence. Consensus agreement among computation tools predict no significant impact on normal splicing. However, these predictions have yet to be confirmed by functional studies. The variant allele was found at a frequency of 0.00012 in 249904 control chromosomes. This frequency is not significantly higher than estimated for a pathogenic variant in KRIT1 causing KRIT1-Related Disorders, allowing no conclusion about variant significance. To our knowledge, no occurrence of c.264A>G in individuals affected with KRIT1-Related Disorders and no experimental evidence demonstrating its impact on protein function have been reported. ClinVar contains an entry for this variant (Variation ID: 590739). Based on the evidence outlined above, the variant was classified as uncertain significance.

Blueprint Genetics
Classification: Likely benign. Last evaluated: 2024-10-22. Review status: criteria provided, single submitter. Criteria: ACMG Guidelines, 2015. Collection method: clinical testing. Allele origin: germline.

Ambry Genetics
Classification: Likely benign for Inborn genetic diseases. Last evaluated: 2023-02-14. Review status: criteria provided, single submitter. Criteria: Ambry Variant Classification Scheme 2023. Collection method: clinical testing. Allele origin: germline.

PreventionGenetics, part of Exact Sciences
Classification: Likely benign. Last evaluated: 2018-10-03. Review status: criteria provided, single submitter. Criteria: ACMG Guidelines, 2015. Collection method: clinical testing. Allele origin: germline.